The following is an entry in ClinVar:

NM_000143.4(FH):c.1198A>G (p.Asn400Asp)

Gene: FH (fumarate hydratase; minus strand). Cytogenetic location: 1q43.
Variant type: single nucleotide variant.
Coding change: c.1198A>G on transcript NM_000143.4 (MANE Select); coding-DNA position 1198, A replaced by G.
Protein change: p.Asn400Asp; replaces asparagine 400 with aspartic acid.
Molecular consequence: missense variant.
Genome position (GRCh38, 1-based): chr1:241,502,481, T>C on the plus strand (A>G on the coding strand, the complement: FH is on the minus strand). VCF-style: chr1-241502481-T-C. GRCh37 (hg19) VCF-style: chr1-241665781-T-C.
Other names: short protein forms N400D.
Identifiers: ClinVar variation 429186 (VCV000429186.5), dbSNP rs1131691247, ClinGen allele CA345437357.

ClinVar aggregate classification (germline): Uncertain significance (1 of 4 stars; one submission).

Conditions:
Hereditary cancer-predisposing syndrome. Also called: Hereditary Cancer Syndrome; Neoplastic Syndromes, Hereditary; Hereditary neoplastic syndrome; Tumor predisposition. Identifiers: Orphanet 140162, MedGen C0027672, MeSH D009386, MONDO:0015356.

Submission:

Ambry Genetics
Classification: Uncertain significance for Hereditary cancer-predisposing syndrome. Last evaluated: 2016-08-09. Review status: criteria provided, single submitter. Criteria: Ambry Variant Classification Scheme 2023. Collection method: clinical testing. Allele origin: germline.
Comment: The p.N400D variant (also known as c.1198A>G), located in coding exon 8 of the FH gene, results from an A to G substitution at nucleotide position 1198. The asparagine at codon 400 is replaced by aspartic acid, an amino acid with highly similar properties. This variant was not reported in population based cohorts in the following databases: Database of Single Nucleotide Polymorphisms (dbSNP), NHLBI Exome Sequencing Project (ESP), and 1000 Genomes Project. In the ESP, this variant was not observed in 6503 samples (13006 alleles) with coverage at this position. To date, this alteration has been detected with an allele frequency of approximately 0.005% (greater than 20000 alleles tested) in our clinical cohort. This amino acid position is well conserved in available vertebrate species. In addition, the in silico prediction for this alteration is inconclusive. Since supporting evidence is limited at this time, the clinical significance of this alteration remains unclear.